The following is an entry in ClinVar:

ClinVar aggregate classification (germline): Uncertain significance (1 of 4 stars; one submission).

Submission:

Ambry Genetics
Classification: Uncertain significance. Last evaluated: 2021-04-28. Review status: criteria provided, single submitter. Criteria: Ambry Variant Classification Scheme 2023. Collection method: clinical testing. Allele origin: germline.
Comment: The p.A379V variant (also known as c.1136C>T), located in coding exon 11 of the KIF1B gene, results from a C to T substitution at nucleotide position 1136. The alanine at codon 379 is replaced by valine, an amino acid with similar properties. This amino acid position is highly conserved in available vertebrate species. In addition, the in silico prediction for this alteration is inconclusive. Since supporting evidence is limited at this time, the clinical significance of this alteration remains unclear.

NM_001365951.3(KIF1B):c.1154C>T (p.Ala385Val)

Gene: KIF1B (kinesin family member 1B; plus strand). Cytogenetic location: 1p36.22.
Variant type: single nucleotide variant.
Coding change: c.1154C>T on transcript NM_001365951.3 (MANE Select); coding-DNA position 1154, C replaced by T.
Protein change: p.Ala385Val; replaces alanine 385 with valine.
Molecular consequence: missense variant.
Genome position (GRCh38, 1-based): chr1:10,278,102, C>T. VCF-style: chr1-10278102-C-T. GRCh37 (hg19) VCF-style: chr1-10338160-C-T.
Other names: c.1154C>T, p.Ala385Val (NM_001365952.1); c.1136C>T, p.Ala379Val (NM_001365953.1, NM_015074.3, NM_183416.4); short protein forms A385V, A379V.
Identifiers: ClinVar variation 1729780 (VCV001729780.2), dbSNP rs2521198192, ClinGen allele CA338334536.